The following is an entry in ClinVar:

NM_001376.5(DYNC1H1):c.3805-84G>C

Gene: DYNC1H1 (dynein cytoplasmic 1 heavy chain 1; plus strand). Cytogenetic location: 14q32.31.
Variant type: single nucleotide variant.
Coding change: c.3805-84G>C on transcript NM_001376.5 (MANE Select); 84 bases into the intron before coding-DNA position 3805, G replaced by C.
Molecular consequence: intron variant.
Genome position (GRCh38, 1-based): chr14:101,999,905, G>C. VCF-style: chr14-101999905-G-C. GRCh37 (hg19) VCF-style: chr14-102466242-G-C.
Identifiers: ClinVar variation 678749 (VCV000678749.1), dbSNP rs150381318, ClinGen allele CA266993493.

ClinVar aggregate classification (germline): Likely benign (1 of 4 stars; one submission).

Allele frequency attached by ClinVar (database versions not stated): gnomAD 0.00637 and 0.00680; 1000 Genomes Project 0.00659; 1000 Genomes Project 30x 0.00671; TOPMed 0.00671.
gnomAD v4.1: 1,794 of 1,599,030 alleles (0.11%); highest among the groups gnomAD compares: African/African-American, 2.2%; 21 homozygotes.

Submission:

GeneDx
Classification: Likely benign. Last evaluated: 2018-06-16. Review status: criteria provided, single submitter. Criteria: GeneDx Variant Classification (06012015). Collection method: clinical testing. Allele origin: germline. Affected: yes.
Comment: This variant is considered likely benign or benign based on one or more of the following criteria: it is a conservative change, it occurs at a poorly conserved position in the protein, it is predicted to be benign by multiple in silico algorithms, and/or has population frequency not consistent with disease.